The following is an entry in ClinVar:

ClinVar aggregate classification (germline): Uncertain significance (1 of 4 stars; one submission).

Conditions:
Retinoblastoma (RB1). Also called: RETINOBLASTOMA, SOMATIC. Identifiers: Orphanet 790, MedGen C0035335, MeSH D012175, MONDO:0008380, OMIM 180200, HP:0009919. Disease mechanism: loss of function. Inheritance: Both sporadic and heritable forms are tested..

Submission:

Labcorp Genetics (formerly Invitae), Labcorp
Classification: Uncertain significance for Retinoblastoma. Last evaluated: 2022-02-09. Review status: criteria provided, single submitter. Criteria: Invitae Variant Classification Sherloc (09022015). Collection method: clinical testing. Allele origin: germline.
Comment: This sequence change replaces aspartic acid, which is acidic and polar, with histidine, which is basic and polar, at codon 856 of the RB1 protein (p.Asp856His). This variant is not present in population databases (gnomAD no frequency). This variant has not been reported in the literature in individuals affected with RB1-related conditions. Algorithms developed to predict the effect of missense changes on protein structure and function are either unavailable or do not agree on the potential impact of this missense change (SIFT: "Deleterious"; PolyPhen-2: "Probably Damaging"; Align-GVGD: "Class C0"). In summary, the available evidence is currently insufficient to determine the role of this variant in disease. Therefore, it has been classified as a Variant of Uncertain Significance.

NM_000321.3(RB1):c.2566G>C (p.Asp856His)

Gene: RB1 (RB transcriptional corepressor 1; plus strand). Cytogenetic location: 13q14.2.
Variant type: single nucleotide variant.
Coding change: c.2566G>C on transcript NM_000321.3 (MANE Select); coding-DNA position 2566, G replaced by C.
Protein change: p.Asp856His; replaces aspartic acid 856 with histidine.
Molecular consequence: missense variant.
Genome position (GRCh38, 1-based): chr13:48,476,746, G>C. VCF-style: chr13-48476746-G-C. GRCh37 (hg19) VCF-style: chr13-49050882-G-C.
Other names: c.2566G>C, p.Asp856His (NM_001407165.1); c.16G>C, p.Asp6His (NM_001407168.1); short protein forms D6H, D856H.
Identifiers: ClinVar variation 2095531 (VCV002095531.4), dbSNP rs149359120, ClinGen allele CA388157271.